The following is an entry in ClinVar:

NM_000057.4(BLM):c.3222_3223del (p.Asp1076fs)

Gene: BLM (BLM RecQ like helicase; plus strand). Cytogenetic location: 15q26.1.
Variant type: Deletion.
Coding change: c.3222_3223del on transcript NM_000057.4 (MANE Select); coding-DNA positions 3222 to 3223, 2 bases deleted (AA; older notation c.3222_3223delAA).
Protein change: p.Asp1076fs; shifts the reading frame from aspartic acid 1076.
Molecular consequence: frameshift variant.
Genome position (GRCh38, 1-based): chr15:90,798,201-90,798,202, AA deleted. VCF-style (leftmost placement, unchanged base first): chr15-90798200-CAA-C. GRCh37 (hg19) VCF-style: chr15-91341430-CAA-C.
Other names: c.3222_3223del (LRG_20t1); c.3222_3223del, p.Asp1076fs (NM_001287246.2, NM_001287247.2); c.2097_2098del, p.Asp701fs (NM_001287248.2); c.3222_3223delAA (NM_000057.2); short protein forms D701fs, D1076fs.
Identifiers: ClinVar variation 551719 (VCV000551719.15), dbSNP rs1555423753, ClinGen allele CA658824101.
Genomic context (GRCh38, chr15:90,798,200, plus strand): 5'-AGGCATTGTTACCTTAATTATAGCAGAAAGTATTCTCTTTTTATTCATAGGATTATAAAA[CAA>C]GAGATGTGACTGACGATGTGAAAAGTATTGTAAGATTTGTTCAAGAACATAGTTCATCAC-3'

ClinVar aggregate classification (germline): Pathogenic/Likely pathogenic. Review status: criteria provided, multiple submitters, no conflicts (2 of 4 stars). 6 submissions from 6 submitters: Pathogenic (4); Likely pathogenic (1). 1 of the submissions does not count toward it. Last evaluated 2025-11-26.

Conditions:
Hereditary cancer-predisposing syndrome. Also called: Hereditary neoplastic syndrome; Neoplastic Syndromes, Hereditary; Tumor predisposition; Hereditary Cancer Syndrome. Identifiers: Orphanet 140162, MedGen C0027672, MeSH D009386, MONDO:0015356.
Bloom syndrome (BLM). Also called: Bloom-Torre-Machacek syndrome. Identifiers: Orphanet 125, MedGen C0005859, MONDO:0008876, OMIM 210900.

Allele frequency attached by ClinVar (database versions not stated): TOPMed below 0.00001; gnomAD 0.00001.

Submissions (6):

Labcorp Genetics (formerly Invitae), Labcorp
Classification: Pathogenic for Bloom syndrome. Last evaluated: 2025-11-26. Review status: criteria provided, single submitter. Criteria: Invitae Variant Classification Sherloc (09022015). Collection method: clinical testing. Allele origin: germline.
Comment: This sequence change creates a premature translational stop signal (p.Asp1076Cysfs*3) in the BLM gene. It is expected to result in an absent or disrupted protein product. Loss-of-function variants in BLM are known to be pathogenic (PMID: 17407155). This variant is not present in population databases (gnomAD no frequency). This variant has not been reported in the literature in individuals affected with BLM-related conditions. ClinVar contains an entry for this variant (Variation ID: 551719). For these reasons, this variant has been classified as Pathogenic.

Myriad Genetics, Inc.
Classification: Pathogenic for Bloom syndrome. Last evaluated: 2025-11-17. Review status: criteria provided, single submitter. Criteria: Myriad Autosomal Dominant, Autosomal Recessive and X-Linked Classification Criteria (2023). Collection method: clinical testing. Allele origin: unknown.
Comment: This variant is considered pathogenic. This variant creates a frameshift predicted to result in premature protein truncation.

GeneDx
Classification: Pathogenic. Last evaluated: 2024-09-30. Review status: criteria provided, single submitter. Criteria: GeneDx Variant Classification Process June 2021. Collection method: clinical testing. Allele origin: germline. Affected: yes.
Comment: Frameshift variant predicted to result in protein truncation or nonsense mediated decay in a gene for which loss of function is a known mechanism of disease; Not observed at significant frequency in large population cohorts (gnomAD); Has not been previously published as pathogenic or benign to our knowledge

Baylor Genetics
Classification: Likely pathogenic for Bloom syndrome. Last evaluated: 2023-12-13. Review status: criteria provided, single submitter. Criteria: ACMG Guidelines, 2015. Collection method: clinical testing. Allele origin: unknown.

Ambry Genetics
Classification: Pathogenic for Hereditary cancer-predisposing syndrome. Last evaluated: 2021-06-29. Review status: criteria provided, single submitter. Criteria: Ambry Variant Classification Scheme 2023. Collection method: clinical testing. Allele origin: germline.
Comment: The c.3222_3223delAA pathogenic mutation, located in coding exon 16 of the BLM gene, results from a deletion of two nucleotides at nucleotide positions 3222 to 3223, causing a translational frameshift with a predicted alternate stop codon (p.D1076Cfs*3). This alteration is expected to result in loss of function by premature protein truncation or nonsense-mediated mRNA decay. As such, this alteration is interpreted as a disease-causing mutation.

Counsyl
Classification: Likely pathogenic for Bloom syndrome. Last evaluated: 2017-05-02. Review status: no assertion criteria provided. Collection method: clinical testing. Allele origin: unknown. Not counted in ClinVar's aggregate classification.

Literature cited by the submitters: PubMed 17407155 (cited by Labcorp Genetics (formerly Invitae), Labcorp).